The following is an entry in ClinVar:

NM_201525.4(ADGRG1):c.1460T>C (p.Met487Thr)

Gene: ADGRG1 (adhesion G protein-coupled receptor G1; plus strand). Cytogenetic location: 16q21.
Variant type: single nucleotide variant.
Coding change: c.1460T>C on transcript NM_201525.4 (MANE Select); coding-DNA position 1460, T replaced by C.
Protein change: p.Met487Thr; replaces methionine 487 with threonine.
Molecular consequence: missense variant.
Genome position (GRCh38, 1-based): chr16:57,659,586, T>C. VCF-style: chr16-57659586-T-C. GRCh37 (hg19) VCF-style: chr16-57693498-T-C.
Other names: p.M493T:ATG>ACG; c.1460T>C, p.Met487Thr (NM_001145770.3, NM_001145772.3, NM_001145774.3 and 7 more transcripts); c.1478T>C, p.Met493Thr (NM_001145771.3, NM_001370428.1, NM_001370429.1 and 4 more transcripts); c.1475T>C, p.Met492Thr (NM_001145773.3, NM_001370433.1, NM_001370434.1); c.968T>C, p.Met323Thr (NM_001290142.2); c.953T>C, p.Met318Thr (NM_001290143.2); c.935T>C, p.Met312Thr (NM_001290144.2, NM_001370451.1, NM_001370453.1 and 1 more transcripts); c.1457T>C, p.Met486Thr (NM_001370441.1); and 1 more; short protein forms M493T, M492T, M323T, M435T, M486T, M312T, M318T, M487T.
Identifiers: ClinVar variation 137495 (VCV000137495.25), dbSNP rs17379472, ClinGen allele CA172249.
Genomic context (GRCh38, chr16:57,659,586, plus strand): 5'-CTGGCTGCCGAGCCAGTGCCATCTTCCTGCACTTCTCCCTGCTCACCTGCCTTTCCTGGA[T>C]GGGCCTCGAGGGGTACAACCTCTACCGACTCGTGGTGGAGGTCTTTGGCACCTATGTCCC-3'
Protein context (NP_958933.1, residues 477-497): HFSLLTCLSW[Met487Thr]GLEGYNLYRL

ClinVar aggregate classification (germline): Benign/Likely benign. Review status: criteria provided, multiple submitters, no conflicts (2 of 4 stars). 9 submissions from 9 submitters: Benign (6); Likely benign (2). 1 of the submissions does not count toward it. Last evaluated 2026-02-04.

Conditions:
Bilateral frontoparietal polymicrogyria. Also called: CEREBELLAR ATAXIA WITH NEURONAL MIGRATION DEFECT; CORTICAL DYSPLASIA, COMPLEX, WITH OTHER BRAIN MALFORMATIONS 14A (BILATERAL FRONTOPARIETAL). Identifiers: Orphanet 101070, MedGen C1847352, MONDO:0011738, OMIM 606854.

Allele frequency attached by ClinVar (database versions not stated): gnomAD exomes 0.03278 and 0.03496; 1000 Genomes Project 30x 0.01827; ESP Exome Variant Server 0.02508; gnomAD 0.02806 and 0.02860; 1000 Genomes Project 0.01697; TOPMed 0.02424; ExAC 0.03201.

Submissions (9):

Labcorp Genetics (formerly Invitae), Labcorp
Classification: Benign. Last evaluated: 2026-02-04. Review status: criteria provided, single submitter. Criteria: Invitae Variant Classification Sherloc (09022015). Collection method: clinical testing. Allele origin: germline.

Athena Diagnostics
Classification: Benign. Last evaluated: 2024-01-30. Review status: criteria provided, single submitter. Criteria: Athena Diagnostics Criteria. Collection method: clinical testing. Allele origin: unknown.

Mayo Clinic Laboratories, Mayo Clinic
Classification: Benign. Last evaluated: 2018-08-07. Review status: criteria provided, single submitter. Criteria: ACMG Guidelines, 2015. Collection method: clinical testing. Allele origin: germline. Observed: 22 variant alleles.

Illumina Laboratory Services, Illumina
Classification: Benign for Bilateral frontoparietal polymicrogyria. Last evaluated: 2018-01-13. Review status: criteria provided, single submitter. Criteria: ICSL Variant Classification Criteria 13 December 2019. Collection method: clinical testing. Allele origin: germline.
Comment: This variant was observed in the ICSL laboratory as part of a predisposition screen in an ostensibly healthy population. It had not been previously curated by ICSL or reported in the Human Gene Mutation Database (HGMD: prior to June 1st, 2018), and was therefore a candidate for classification through an automated scoring system. Utilizing variant allele frequency, disease prevalence and penetrance estimates, and inheritance mode, an automated score was calculated to assess if this variant is too frequent to cause the disease. Based on the score and internal cut-off values, a variant classified as benign is not then subjected to further curation. The score for this variant resulted in a classification of benign for this disease.

GeneDx
Classification: Benign. Last evaluated: 2014-02-20. Review status: criteria provided, single submitter. Criteria: GeneDx Variant Classification (06012015). Collection method: clinical testing. Allele origin: germline. Affected: yes.
Comment: This variant is considered likely benign or benign based on one or more of the following criteria: it is a conservative change, it occurs at a poorly conserved position in the protein, it is predicted to be benign by multiple in silico algorithms, and/or has population frequency not consistent with disease.

Genetic Services Laboratory, University of Chicago
Classification: Likely benign. Last evaluated: 2013-03-07. Review status: criteria provided, single submitter. Criteria: ACMG Guidelines, 2007. Collection method: clinical testing. Allele origin: germline. Inheritance: Autosomal recessive inheritance.
Comment: Likely benign based on allele frequency in 1000 Genomes Project or ESP global frequency and its presence in a patient with a rare or unrelated disease phenotype. NOT Sanger confirmed

Breakthrough Genomics
Classification: Likely benign. Review status: criteria provided, single submitter. Criteria: ACMG Guidelines, 2015. Collection method: not provided. Allele origin: germline. Inheritance: Autosomal recessive inheritance. Affected: yes.

PreventionGenetics, part of Exact Sciences
Classification: Benign. Review status: criteria provided, single submitter. Criteria: ACMG Guidelines, 2015. Collection method: clinical testing. Allele origin: germline.

Natera, Inc.
Classification: Likely benign for Bilateral frontoparietal polymicrogyria. Last evaluated: 2019-11-26. Review status: no assertion criteria provided. Collection method: clinical testing. Allele origin: germline. Not counted in ClinVar's aggregate classification.